The following is an entry in ClinVar:

NM_012418.4(FSCN2):c.448C>T (p.Arg150Cys)

Gene: FSCN2 (fascin actin-bundling protein 2, retinal; plus strand). Cytogenetic location: 17q25.3.
Variant type: single nucleotide variant.
Coding change: c.448C>T on transcript NM_012418.4 (MANE Select); coding-DNA position 448, C replaced by T.
Protein change: p.Arg150Cys; replaces arginine 150 with cysteine.
Molecular consequence: missense variant.
Genome position (GRCh38, 1-based): chr17:81,528,979, C>T. VCF-style: chr17-81528979-C-T. GRCh37 (hg19) VCF-style: chr17-79496005-C-T.
Other names: c.448C>T, p.Arg150Cys (NM_001077182.3); c.448C>T (NM_001077182.2); short protein forms R150C.
Identifiers: ClinVar variation 1901938 (VCV001901938.6), dbSNP rs1421879547, ClinGen allele CA401471079.

ClinVar aggregate classification (germline): Uncertain significance. Review status: criteria provided, multiple submitters, no conflicts (2 of 4 stars). 2 submissions from 2 submitters: Uncertain significance (2). Last evaluated 2025-09-28.

Allele frequency attached by ClinVar (database versions not stated): gnomAD exomes 0.00001.

Submissions (2):

Ambry Genetics
Classification: Uncertain significance. Last evaluated: 2025-09-28. Review status: criteria provided, single submitter. Criteria: Ambry Variant Classification Scheme 2023. Collection method: clinical testing. Allele origin: germline.

Labcorp Genetics (formerly Invitae), Labcorp
Classification: Uncertain significance. Last evaluated: 2023-10-03. Review status: criteria provided, single submitter. Criteria: Invitae Variant Classification Sherloc (09022015). Collection method: clinical testing. Allele origin: germline.
Comment: This sequence change replaces arginine, which is basic and polar, with cysteine, which is neutral and slightly polar, at codon 150 of the FSCN2 protein (p.Arg150Cys). This variant is not present in population databases (gnomAD no frequency). This variant has not been reported in the literature in individuals affected with FSCN2-related conditions. ClinVar contains an entry for this variant (Variation ID: 1901938). An algorithm developed to predict the effect of missense changes on protein structure and function (PolyPhen-2) suggests that this variant is likely to be disruptive. In summary, the available evidence is currently insufficient to determine the role of this variant in disease. Therefore, it has been classified as a Variant of Uncertain Significance.